The following is an entry in ClinVar:

ClinVar aggregate classification (germline): Conflicting classifications of pathogenicity. Review status: criteria provided, conflicting classifications (1 of 4 stars). 4 submissions from 4 submitters: Pathogenic (1); Likely pathogenic (1); Uncertain significance (1). 1 of the submissions does not count toward it. Last evaluated 2026-09-03.

Conditions:
Cardiovascular phenotype. Identifiers: MedGen CN230736.
Dilated cardiomyopathy 1G (CMD1G). Identifiers: Orphanet 154, MedGen C1858763, MONDO:0011400, OMIM 604145.
Autosomal recessive limb-girdle muscular dystrophy type 2J (LGMDR10). Also called: Limb-girdle muscular dystrophy, type 2J; MUSCULAR DYSTROPHY, LIMB-GIRDLE, AUTOSOMAL RECESSIVE 10. Identifiers: Orphanet 140922, MedGen C1837342, MONDO:0012127, OMIM 608807.
TTN-related disorder. Also called: TTN-related condition; TTN-related disease; TTN-related disorders.

Allele frequency attached by ClinVar (database versions not stated): gnomAD exomes below 0.00001.
gnomAD v4.1: 3 of 1,603,430 alleles (0.00019%); highest among the groups gnomAD compares: Admixed American, 0.0017%; no homozygotes.

Submissions (4):

Ambry Genetics
Classification: Uncertain significance for Cardiovascular phenotype. Last evaluated: 2026-09-03. Review status: criteria provided, single submitter. Criteria: Ambry Variant Classification Scheme 2023. Collection method: clinical testing. Allele origin: germline.
Comment: The c.70297+1G>A intronic variant results from a G to A substitution one nucleotide after coding exon 176 of the TTN gene. Exon 176 is located in the A-band region of the N2-B isoform of the titin protein and is constitutively expressed in TTN transcripts (percent spliced in or PSI 100%). This variant was reported in individual(s) with features consistent with dilated cardiomypathy (Ambry internal data). This nucleotide position is highly conserved in available vertebrate species. In silico splice site analysis predicts that this alteration will weaken the native splice donor site. This variant disrupts the canonical splice site and is expected to cause aberrant splicing. However, although direct evidence is unavailable, this variant is predicted to result in an in-frame transcript that is not expected to trigger nonsense-mediated mRNA decay. The exact functional effect of the predicted splice impact is unknown. Based on the available evidence, the clinical significance of this variant remains unclear.

Labcorp Genetics (formerly Invitae), Labcorp
Classification: Pathogenic for Dilated cardiomyopathy 1G; Autosomal recessive limb-girdle muscular dystrophy type 2J. Last evaluated: 2026-01-27. Review status: criteria provided, single submitter. Criteria: Invitae Variant Classification Sherloc (09022015). Collection method: clinical testing. Allele origin: germline.
Comment: This sequence change affects a donor splice site in intron 349 of the TTN gene. It is expected to disrupt RNA splicing and likely results in a truncated or disrupted TTN protein. The frequency data for this variant in the population databases is considered unreliable, as metrics indicate poor data quality at this position in the gnomAD database. Disruption of this splice site has been observed in individuals with dilated cardiomyopathy (PMID: 22335739). ClinVar contains an entry for this variant (Variation ID: 1393545). Algorithms developed to predict the effect of sequence changes on RNA splicing suggest that this variant may disrupt the consensus splice site. This variant is located in the A band of TTN (PMID: 25589632). Truncating variants in this region are significantly overrepresented in patients affected with dilated cardiomyopathy (PMID: 25589632). Truncating variants in this region have also been reported in individuals affected with autosomal recessive centronuclear myopathy (PMID: 23975875). For these reasons, this variant has been classified as Pathogenic.

GeneDx
Classification: Likely pathogenic. Last evaluated: 2025-12-04. Review status: criteria provided, single submitter. Criteria: GeneDx Variant Classification Process June 2021. Collection method: clinical testing. Allele origin: germline.
Comment: Identified in patients with DCM and peripartum cardiomyopathy in published literature (PMID: 33874732, 31251381, 31112426); Not observed at significant frequency in large population cohorts (gnomAD); Canonical splice site variant predicted to result in an in-frame loss of the adjacent exon in a gene for which loss of function is a known mechanism of disease; Located in the A-band, a region of TTN for which truncating variants are significantly associated with autosomal dominant cardiomyopathy and also with autosomal recessive skeletal myopathies (PMID: 22335739, 32778822); This variant is associated with the following publications: (PMID: 22335739, 32778822, 28152038, 38938651, 31251381, 31112426, 33874732)

PreventionGenetics, part of Exact Sciences
Classification: Pathogenic for TTN-related condition. Last evaluated: 2024-04-12. Review status: no assertion criteria provided. Collection method: clinical testing. Allele origin: germline. Not counted in ClinVar's aggregate classification.
Comment: The TTN c.97492+1G>A variant is predicted to disrupt the GT donor site and interfere with normal splicing. This variant has been reported in individuals with dilated cardiomyopathy (eTable 2 in Corden et al. 2019. PubMed ID: 31251381; reported with the genomic coordinate chr2:179406990 C>T in Table S1, Ware et al. 2016. PubMed ID: 26735901 and Jansen et al. 2019. PubMed ID: 31112426). A different variant at the same position has also been reported in an individual with dilated cardiomyopathy (reported with the genomic coordinate chr2:179406990 C>G in Table S1, Ware et al. 2016. PubMed ID: 26735901). This variant is reported in 0.00093% of alleles in individuals of European (Non-Finnish) descent in gnomAD. This variant is located in the A-band region of the TTN protein in which truncating TTN variants have been found more frequently in dilated cardiomyopathy patients than in controls (Herman et al. 2012. PubMed ID: 22335739). RNAseq studies from heart tissue indicate the adjacent exon is commonly included in TTN mRNA transcripts (PSI of 100%, Roberts et al. 2015. PubMed ID: 25589632). TTN truncating variants are reported in 1-2% of presumably healthy individuals, but occur more frequently in exons with low PSI values (Roberts et al. 2015. PubMed ID: 25589632; Herman et al. 2012. PubMed ID: 22335739). Many cases of severe recessive TTN-related myopathies in which the individual is compound heterozygous for two loss of function variants in TTN have also been reported (See Ceyhan-Birsoy et al. 2013. PubMed ID: 23975875; Chauveau et al. 2014. PubMed ID: 24105469; Evilä et al. 2016. PubMed ID:27796757; Ge et al. 2019. PubMed ID: 31053406; Oates et al. 2018. PubMed ID: 29691892; Bryen et al. 2020. PubMed ID: 31660661). In summary, we classify this variant as pathogenic. Of note, this variant is considered pathogenic for increased risk of TTN-related cardiac disorders, and also for autosomal recessive severe congenital titinopathies when in the presence of an additional loss-of-function TTN variant.

Literature cited by the submitters: PubMed 22335739 (cited by Labcorp Genetics (formerly Invitae), Labcorp); PubMed 25589632 (cited by Labcorp Genetics (formerly Invitae), Labcorp); PubMed 23975875 (cited by Labcorp Genetics (formerly Invitae), Labcorp).

NM_001267550.2(TTN):c.97492+1G>A

Genes: TTN (titin; minus strand), TTN-AS1 (TTN antisense RNA 1; plus strand). Cytogenetic location: 2q31.2.
Variant type: single nucleotide variant.
Coding change: c.97492+1G>A on transcript NM_001267550.2 (MANE Select); the canonical splice donor site of the intron after coding-DNA position 97492, G replaced by A.
Molecular consequence: splice donor variant. On other transcripts: non-coding transcript variant (1).
Genome position (GRCh38, 1-based): chr2:178,542,263, C>T on the plus strand (G>A on the coding strand, the complement: TTN is on the minus strand). VCF-style: chr2-178542263-C-T. GRCh37 (hg19) VCF-style: chr2-179406990-C-T.
Other names: c.70297+1G>A (NM_003319.4); c.70873+1G>A (NM_133437.4); c.70672+1G>A (NM_133432.3); c.89788+1G>A (NM_133378.4); c.92569+1G>A (NM_001256850.1).
Identifiers: ClinVar variation 1393545 (VCV001393545.12), dbSNP rs727505319, ClinGen allele CA349439017.